The following is an entry in ClinVar:

NC_000003.11:g.(?_142342265)_(142432507_?)del

Gene: PLS1 (plastin 1; plus strand). Cytogenetic location: 3q23.
Variant type: Deletion.
Identifiers: ClinVar variation 4525890 (VCV004525890.1).

ClinVar aggregate classification (germline): Uncertain significance (1 of 4 stars; one submission).

Submission:

Women's Health and Genetics/Laboratory Corporation of America, LabCorp
Classification: Uncertain significance. Last evaluated: 2025-07-15. Review status: criteria provided, single submitter. Criteria: LabCorp Variant Classification Summary - May 2015. Collection method: clinical testing. Allele origin: germline.
Comment: Variant summary: The variant involves the deletion of exons 1-16 in the PLS1 gene. This deletion includes the entire coding sequence of the gene. As the exact proximal and distal breakpoints are unknown, it may extend beyond the annotated region of the gene to include other flanking genes. A presumed nomenclature of c.(?_-176)_(*1658_?)del has been designated for the purposes of this classification. Current evidence is not sufficient to establish loss of function as a mechanism for disease. The variant was absent in 120780 control chromosomes in the gnomAD database (Structural Variants v4.1 dataset). The available data on variant occurrences in the general population are insufficient to allow any conclusion about variant significance. To our knowledge, no occurrence of c.(?_-176)_(*1658_?)del in individuals affected with Hearing Loss, Autosomal Dominant 76 and no experimental evidence demonstrating its impact on protein function have been reported. No submitters have cited clinical-significance assessments for this variant to ClinVar. Based on the evidence outlined above, the variant was classified as uncertain significance.